The following is an entry in ClinVar:

NM_000093.5(COL5A1):c.4882C>A (p.Pro1628Thr)

Genes: COL5A1 (collagen type V alpha 1 chain; plus strand), LOC101448202 (uncharacterized LOC101448202; minus strand). Cytogenetic location: 9q34.3.
Variant type: single nucleotide variant.
Coding change: c.4882C>A on transcript NM_000093.5 (MANE Select); coding-DNA position 4882, C replaced by A.
Protein change: p.Pro1628Thr; replaces proline 1628 with threonine.
Molecular consequence: missense variant.
Genome position (GRCh38, 1-based): chr9:134,824,783, C>A. VCF-style: chr9-134824783-C-A. GRCh37 (hg19) VCF-style: chr9-137716629-C-A.
Other names: c.4882C>A, p.Pro1628Thr (NM_001278074.1); short protein forms P1628T.
Identifiers: ClinVar variation 4537510 (VCV004537510.1).

ClinVar aggregate classification (germline): Uncertain significance (1 of 4 stars; one submission).

Conditions:
Ehlers-Danlos syndrome, classic type, 1 (EDSCL1). Also called: EHLERS-DANLOS SYNDROME, GRAVIS TYPE; EHLERS-DANLOS SYNDROME, SEVERE CLASSIC TYPE; Ehlers-Danlos syndrome, type 1; Ehlers-Danlos Syndrome, Classic Type, COL5A1-Related; EDS I. Identifiers: MedGen C0268335, MONDO:0019567, OMIM 130000.
Fibromuscular dysplasia, multifocal. Identifiers: MedGen C5543412, MONDO:0859151, OMIM 619329.

gnomAD v4.1: 1 of 1,614,138 alleles (0.000062%); highest among the groups gnomAD compares: East Asian, 0.0022%; no homozygotes.

Submission:

SYNLAB MVZ HG Mannheim GmbH, Zentrum für Humangenetik Mannheim
Classification: Uncertain significance for Ehlers-Danlos syndrome, classic type, 1; Fibromuscular dysplasia, multifocal. Last evaluated: 2025-12-15. Review status: criteria provided, single submitter. Criteria: ACMG Guidelines, 2015. Collection method: clinical testing. Allele origin: maternal. Inheritance: Autosomal dominant inheritance. Affected: yes.
Comment: The missense variant c.4882C>A p.(Pro1628Thr) in the COL5A1 gene leads to the replacement of an amino acid in the C-terminal fibrillar collagen domain of the protein. The change is not yet listed in the databases (ClinVar, LOVD, HGMD) and has not been described in the literature. There is no information on the allele frequency in the general population. According to in silico prediction, the impact of the mutation on protein function is assessed as moderately pathogenic (REVEL score 0.909). For the COL5A1 gene, a significant intolerance to changes in protein structure due to missense variants was calculated (GnomAD v4.1.0: Missense Constraint Z-Score: 4.20). Due to lack of evidence and the alteration is classified as a variant of unclear clinical significance (class 3, “hot” VUS) according to ACMG guidelines (ACMG criteria used: PM2, PP2, PP3, PP4).